The following is an entry in ClinVar:

ClinVar aggregate classification (germline): Uncertain significance (1 of 4 stars; one submission).

Allele frequency attached by ClinVar (database versions not stated): gnomAD exomes below 0.00001; TOPMed 0.00002; gnomAD 0.00003.
gnomAD v4.1: 6 of 1,613,600 alleles (0.00037%); highest among the groups gnomAD compares: Admixed American, 0.0083%; no homozygotes.

Submission:

Labcorp Genetics (formerly Invitae), Labcorp
Classification: Uncertain significance. Last evaluated: 2025-03-03. Review status: criteria provided, single submitter. Criteria: Invitae Variant Classification Sherloc (09022015). Collection method: clinical testing. Allele origin: germline.
Comment: This sequence change replaces lysine, which is basic and polar, with glutamic acid, which is acidic and polar, at codon 302 of the MTHFD1 protein (p.Lys302Glu). This variant is present in population databases (no rsID available, gnomAD 0.003%). This variant has not been reported in the literature in individuals affected with MTHFD1-related conditions. ClinVar contains an entry for this variant (Variation ID: 1942653). Invitae Evidence Modeling of protein sequence and biophysical properties (such as structural, functional, and spatial information, amino acid conservation, physicochemical variation, residue mobility, and thermodynamic stability) indicates that this missense variant is not expected to disrupt MTHFD1 protein function with a negative predictive value of 80%. In summary, the available evidence is currently insufficient to determine the role of this variant in disease. Therefore, it has been classified as a Variant of Uncertain Significance.

NM_005956.4(MTHFD1):c.904A>G (p.Lys302Glu)

Gene: MTHFD1 (methylenetetrahydrofolate dehydrogenase, cyclohydrolase and formyltetrahydrofolate synthetase 1; plus strand). Cytogenetic location: 14q23.3.
Variant type: single nucleotide variant.
Coding change: c.904A>G on transcript NM_005956.4 (MANE Select); coding-DNA position 904, A replaced by G.
Protein change: p.Lys302Glu; replaces lysine 302 with glutamic acid.
Molecular consequence: missense variant.
Genome position (GRCh38, 1-based): chr14:64,425,778, A>G. VCF-style: chr14-64425778-A-G. GRCh37 (hg19) VCF-style: chr14-64892496-A-G.
Other names: c.904A>G, p.Lys302Glu (NM_001364837.1); short protein forms K302E.
Identifiers: ClinVar variation 1942653 (VCV001942653.5), dbSNP rs1283420932, ClinGen allele CA389985240.